The following is an entry in ClinVar:

NM_024817.3(THSD4):c.684C>T (p.Asp228=)

Gene: THSD4 (thrombospondin type 1 domain containing 4; plus strand). Cytogenetic location: 15q23.
Variant type: single nucleotide variant.
Coding change: c.684C>T on transcript NM_024817.3 (MANE Select); coding-DNA position 684, C replaced by T.
Protein change: p.Asp228=; no amino-acid change (aspartic acid 228 retained).
Molecular consequence: synonymous variant.
Genome position (GRCh38, 1-based): chr15:71,242,868, C>T. VCF-style: chr15-71242868-C-T. GRCh37 (hg19) VCF-style: chr15-71535207-C-T.
Other names: c.684C>T, p.Asp228= (NM_001394532.1).
Identifiers: ClinVar variation 3904842 (VCV003904842.10).

ClinVar aggregate classification (germline): Likely benign (1 of 4 stars; one submission).

gnomAD v4.1: 1,407 of 1,614,208 alleles (0.087%); highest among the groups gnomAD compares: African/African-American, 0.95%; 6 homozygotes.

Submission:

CeGaT Center for Human Genetics Tuebingen
Classification: Likely benign. Last evaluated: 2026-03-01. Review status: criteria provided, single submitter. Criteria: CeGaT Center For Human Genetics Tuebingen Variant Classification Criteria Version 2. Collection method: clinical testing. Allele origin: germline. Affected: yes. Observed: 3 variant alleles.
Comment: THSD4: BP4, BP7, BS1